The following is an entry in ClinVar:

NM_000116.5(TAFAZZIN):c.725C>T (p.Pro242Leu)

Gene: TAFAZZIN (tafazzin, phospholipid-lysophospholipid transacylase; plus strand). Cytogenetic location: Xq28.
Variant type: single nucleotide variant.
Coding change: c.725C>T on transcript NM_000116.5 (MANE Select); coding-DNA position 725, C replaced by T.
Protein change: p.Pro242Leu; replaces proline 242 with leucine.
Molecular consequence: missense variant. On other transcripts: non-coding transcript variant (1).
Genome position (GRCh38, 1-based): chrX:154,420,683, C>T. VCF-style: chrX-154420683-C-T. GRCh37 (hg19) VCF-style: chrX-153649022-C-T.
Other names: c.737C>T, p.Pro246Leu (NM_001303465.2); c.689C>T, p.Pro230Leu (NM_001410698.1); c.635C>T, p.Pro212Leu (NM_181311.4); c.683C>T, p.Pro228Leu (NM_181312.4); c.593C>T, p.Pro198Leu (NM_181313.4); short protein forms P246L, P242L, P228L, P230L, P198L, P212L.
Identifiers: ClinVar variation 2971114 (VCV002971114.3), dbSNP rs2522996647, ClinGen allele CA415185395.

ClinVar aggregate classification (germline): Uncertain significance (1 of 4 stars; one submission).

Conditions:
3-Methylglutaconic aciduria type 2 (BTHS). Also called: Barth syndrome; CARDIOSKELETAL MYOPATHY WITH NEUTROPENIA AND ABNORMAL MITOCHONDRIA. Identifiers: Orphanet 111, MedGen C0574083, MONDO:0010543, OMIM 302060.

Submission:

Labcorp Genetics (formerly Invitae), Labcorp
Classification: Uncertain significance for 3-Methylglutaconic aciduria type 2. Last evaluated: 2021-01-25. Review status: criteria provided, single submitter. Criteria: Invitae Variant Classification Sherloc (09022015). Collection method: clinical testing. Allele origin: germline.
Comment: This sequence change replaces proline with leucine at codon 242 of the TAZ protein (p.Pro242Leu). The proline residue is highly conserved and there is a moderate physicochemical difference between proline and leucine. This variant is not present in population databases (ExAC no frequency). In summary, the available evidence is currently insufficient to determine the role of this variant in disease. Therefore, it has been classified as a Variant of Uncertain Significance. Algorithms developed to predict the effect of missense changes on protein structure and function are either unavailable or do not agree on the potential impact of this missense change (SIFT: "Not Available"; PolyPhen-2: "Possibly Damaging"; Align-GVGD: "Not Available"). This variant has not been reported in the literature in individuals with TAZ-related conditions.